The following is an entry in ClinVar:

ClinVar aggregate classification (germline): Uncertain significance (1 of 4 stars; one submission).

Conditions:
Cardiovascular phenotype. Identifiers: MedGen CN230736.

Allele frequency attached by ClinVar (database versions not stated): TOPMed 0.00001.
gnomAD v4.1: 4 of 1,549,034 alleles (0.00026%); highest among the groups gnomAD compares: African/African-American, 0.0041%; no homozygotes.

Submission:

Ambry Genetics
Classification: Uncertain significance for Cardiovascular phenotype. Last evaluated: 2022-05-02. Review status: criteria provided, single submitter. Criteria: Ambry Variant Classification Scheme 2023. Collection method: clinical testing. Allele origin: germline.
Comment: The p.D40G variant (also known as c.119A>G), located in coding exon 1 of the ALMS1 gene, results from an A to G substitution at nucleotide position 119. The aspartic acid at codon 40 is replaced by glycine, an amino acid with similar properties. This amino acid position is poorly conserved in available vertebrate species. In addition, this alteration is predicted to be tolerated by in silico analysis. Since supporting evidence is limited at this time, the clinical significance of this alteration remains unclear.

NM_001378454.1(ALMS1):c.116A>G (p.Asp39Gly)

Gene: ALMS1 (ALMS1 centrosome and basal body associated protein; plus strand). Cytogenetic location: 2p13.1.
Variant type: single nucleotide variant.
Coding change: c.116A>G on transcript NM_001378454.1 (MANE Select); coding-DNA position 116, A replaced by G.
Protein change: p.Asp39Gly; replaces aspartic acid 39 with glycine.
Molecular consequence: missense variant.
Genome position (GRCh38, 1-based): chr2:73,385,984, A>G. VCF-style: chr2-73385984-A-G. GRCh37 (hg19) VCF-style: chr2-73613112-A-G.
Other names: c.119A>G, p.Asp40Gly (NM_015120.4); short protein forms D40G, D39G.
Identifiers: ClinVar variation 1746774 (VCV001746774.2), dbSNP rs1334797627, ClinGen allele CA347250640.
Genomic context (GRCh38, chr2:73,385,984, plus strand): 5'-AGGAGGAGGAGGAGGAGGAAGAGGAGGAGGCTGCAGCGGCGGCGGCGGCGAACGTGGACG[A>G]CGTAGTGGTCGTGGAGGAGGTGGAGGAAGAGGCGGGGCGGGAGTTGGACTCCGACTCTCA-3'
Protein context (NP_001365383.1, residues 29-49): AAAAAAANVD[Asp39Gly]VVVVEEVEEE